The following is an entry in ClinVar:

ClinVar aggregate classification (germline): Uncertain significance. Review status: criteria provided, multiple submitters, no conflicts (2 of 4 stars). 2 submissions from 2 submitters: Uncertain significance (2). Last evaluated 2024-02-29.

Conditions:
Familial cold autoinflammatory syndrome 2 (FCAS2). Identifiers: Orphanet 247868, MedGen C2673198, MONDO:0012724, OMIM 611762.

Allele frequency attached by ClinVar (database versions not stated): TOPMed 0.00001.

Submissions (2):

Blueprint Genetics
Classification: Uncertain significance. Last evaluated: 2024-02-29. Review status: criteria provided, single submitter. Criteria: ACMG Guidelines, 2015. Collection method: clinical testing. Allele origin: germline.

Labcorp Genetics (formerly Invitae), Labcorp
Classification: Uncertain significance for Familial cold autoinflammatory syndrome 2. Last evaluated: 2023-08-28. Review status: criteria provided, single submitter. Criteria: Invitae Variant Classification Sherloc (09022015). Collection method: clinical testing. Allele origin: germline.
Comment: This sequence change replaces tryptophan, which is neutral and slightly polar, with arginine, which is basic and polar, at codon 594 of the NLRP12 protein (p.Trp594Arg). This variant is not present in population databases (gnomAD no frequency). This variant has not been reported in the literature in individuals affected with NLRP12-related conditions. Advanced modeling of protein sequence and biophysical properties (such as structural, functional, and spatial information, amino acid conservation, physicochemical variation, residue mobility, and thermodynamic stability) performed at Invitae indicates that this missense variant is expected to disrupt NLRP12 protein function. In summary, the available evidence is currently insufficient to determine the role of this variant in disease. Therefore, it has been classified as a Variant of Uncertain Significance.

NM_144687.4(NLRP12):c.1780T>C (p.Trp594Arg)

Gene: NLRP12 (NLR family pyrin domain containing 12; minus strand). Cytogenetic location: 19q13.42.
Variant type: single nucleotide variant.
Coding change: c.1780T>C on transcript NM_144687.4 (MANE Select); coding-DNA position 1780, T replaced by C.
Protein change: p.Trp594Arg; replaces tryptophan 594 with arginine.
Molecular consequence: missense variant.
Genome position (GRCh38, 1-based): chr19:53,809,879, A>G on the plus strand (T>C on the coding strand, the complement: NLRP12 is on the minus strand). VCF-style: chr19-53809879-A-G. GRCh37 (hg19) VCF-style: chr19-54313133-A-G.
Other names: c.1780T>C, p.Trp594Arg (NM_001277126.2, NM_001277129.1); short protein forms W594R.
Identifiers: ClinVar variation 2993961 (VCV002993961.4), dbSNP rs1306419036, ClinGen allele CA407412593.